The following is an entry in ClinVar:

NM_004366.6(CLCN2):c.1802G>A (p.Arg601His)

Gene: CLCN2 (chloride voltage-gated channel 2; minus strand). Cytogenetic location: 3q27.1.
Variant type: single nucleotide variant.
Coding change: c.1802G>A on transcript NM_004366.6 (MANE Select); coding-DNA position 1802, G replaced by A.
Protein change: p.Arg601His; replaces arginine 601 with histidine.
Molecular consequence: missense variant.
Genome position (GRCh38, 1-based): chr3:184,353,715, C>T on the plus strand (G>A on the coding strand, the complement: CLCN2 is on the minus strand). VCF-style: chr3-184353715-C-T. GRCh37 (hg19) VCF-style: chr3-184071503-C-T.
Other names: c.1802G>A (NM_004366.4); c.1751G>A, p.Arg584His (NM_001171087.3); c.1670G>A, p.Arg557His (NM_001171088.3); c.1802G>A, p.Arg601His (NM_001171089.3); short protein forms R557H, R584H, R601H.
Identifiers: ClinVar variation 2144812 (VCV002144812.5), dbSNP rs757417707, ClinGen allele CA2733984.
Genomic context (GRCh38, chr3:184,353,715, plus strand): 5'-GCCTCACCAGGGGACTCCACTAGGGCCAGCATTCGGCCCTTGGTCCTGTGCAGTGCCAAA[C>T]GCAGGTCCCGGAAGGTGCAGCTGAGGGCCACATGGGGAACATCCCGCACCATGATGTCCT-3'
Protein context (NP_004357.3, residues 591-611): VALSCTFRDL[Arg601His]LALHRTKGRM

ClinVar aggregate classification (germline): Uncertain significance. Review status: criteria provided, multiple submitters, no conflicts (2 of 4 stars). 2 submissions from 2 submitters: Uncertain significance (2). Last evaluated 2025-04-16.

Conditions:
Inborn genetic diseases. Identifiers: MedGen C0950123, MeSH D030342.

Allele frequency attached by ClinVar (database versions not stated): ExAC 0.00001; gnomAD 0.00002; gnomAD exomes 0.00002; TOPMed 0.00003.
gnomAD v4.1: 26 of 1,610,216 alleles (0.0016%); highest among the groups gnomAD compares: African/African-American, 0.0053%; no homozygotes.

Submissions (2):

Ambry Genetics
Classification: Uncertain significance for Inborn genetic diseases. Last evaluated: 2025-04-16. Review status: criteria provided, single submitter. Criteria: Ambry Variant Classification Scheme 2023. Collection method: clinical testing. Allele origin: germline.

Labcorp Genetics (formerly Invitae), Labcorp
Classification: Uncertain significance. Last evaluated: 2024-05-24. Review status: criteria provided, single submitter. Criteria: Invitae Variant Classification Sherloc (09022015). Collection method: clinical testing. Allele origin: germline.
Comment: This sequence change replaces arginine, which is basic and polar, with histidine, which is basic and polar, at codon 601 of the CLCN2 protein (p.Arg601His). This variant is present in population databases (rs757417707, gnomAD 0.009%). This variant has not been reported in the literature in individuals affected with CLCN2-related conditions. ClinVar contains an entry for this variant (Variation ID: 2144812). Advanced modeling of protein sequence and biophysical properties (such as structural, functional, and spatial information, amino acid conservation, physicochemical variation, residue mobility, and thermodynamic stability) performed at Invitae indicates that this missense variant is not expected to disrupt CLCN2 protein function with a negative predictive value of 80%. In summary, the available evidence is currently insufficient to determine the role of this variant in disease. Therefore, it has been classified as a Variant of Uncertain Significance.